The following is an entry in ClinVar:

ClinVar aggregate classification (germline): Uncertain significance. Review status: criteria provided, multiple submitters, no conflicts (2 of 4 stars). 2 submissions from 2 submitters: Uncertain significance (2). Last evaluated 2024-04-25.

Conditions:
Nephrolithiasis/nephrocalcinosis. Identifiers: MedGen CN580796.
Neonatal severe primary hyperparathyroidism. Identifiers: Orphanet 417, MedGen C1832615, MONDO:0009397, OMIM 239200.
Autosomal dominant hypocalcemia 1 (HYPOC1). Also called: HYPOCALCEMIA, FAMILIAL. Identifiers: MedGen C3715128, MONDO:0011013, OMIM 601198.
Familial hypocalciuric hypercalcemia 1. Also called: Hypercalcemia, familial benign type 1. Identifiers: Orphanet 405, Orphanet 93372, MedGen C0342637, MONDO:0007791, OMIM 145980.
Epilepsy, idiopathic generalized, susceptibility to, 8. Identifiers: MedGen C2752062, MONDO:0013032, OMIM 612899.

gnomAD v4.1: 1 of 1,614,206 alleles (0.000062%); highest among the groups gnomAD compares: South Asian, 0.0011%; no homozygotes.

Submissions (2):

Ambry Genetics
Classification: Uncertain significance for Nephrolithiasis/nephrocalcinosis. Last evaluated: 2024-04-25. Review status: criteria provided, single submitter. Criteria: Ambry Variant Classification Scheme 2023. Collection method: clinical testing. Allele origin: germline.
Comment: The p.L547M variant (also known as c.1639C>A), located in coding exon 5 of the CASR gene, results from a C to A substitution at nucleotide position 1639. The leucine at codon 547 is replaced by methionine, an amino acid with highly similar properties. This amino acid position is not well conserved in available vertebrate species. In addition, the in silico prediction for this alteration is inconclusive. Based on the available evidence, the clinical significance of this variant remains unclear.

Fulgent Genetics
Classification: Uncertain significance for Familial hypocalciuric hypercalcemia 1; Neonatal severe primary hyperparathyroidism; Autosomal dominant hypocalcemia 1; Epilepsy, idiopathic generalized, susceptibility to, 8. Last evaluated: 2024-04-15. Review status: criteria provided, single submitter. Criteria: ACMG Guidelines, 2015. Collection method: clinical testing. Allele origin: germline.

NM_000388.4(CASR):c.1639C>A (p.Leu547Met)

Gene: CASR (calcium sensing receptor; plus strand). Cytogenetic location: 3q21.1.
Variant type: single nucleotide variant.
Coding change: c.1639C>A on transcript NM_000388.4 (MANE Select); coding-DNA position 1639, C replaced by A.
Protein change: p.Leu547Met; replaces leucine 547 with methionine.
Molecular consequence: missense variant.
Genome position (GRCh38, 1-based): chr3:122,282,143, C>A. VCF-style: chr3-122282143-C-A. GRCh37 (hg19) VCF-style: chr3-122000990-C-A.
Other names: c.1669C>A, p.Leu557Met (NM_001178065.2); short protein forms L557M, L547M.
Identifiers: ClinVar variation 3263486 (VCV003263486.2).